The following is an entry in ClinVar:

NM_020703.4(AMIGO1):c.1136G>A (p.Gly379Asp)

Gene: AMIGO1 (adhesion molecule with Ig like domain 1; minus strand). Cytogenetic location: 1p13.3.
Variant type: single nucleotide variant.
Coding change: c.1136G>A on transcript NM_020703.4 (MANE Select); coding-DNA position 1136, G replaced by A.
Protein change: p.Gly379Asp; replaces glycine 379 with aspartic acid.
Molecular consequence: missense variant.
Genome position (GRCh38, 1-based): chr1:109,507,777, C>T on the plus strand (G>A on the coding strand, the complement: AMIGO1 is on the minus strand). VCF-style: chr1-109507777-C-T. GRCh37 (hg19) VCF-style: chr1-110050399-C-T.
Other names: short protein forms G379D.
Identifiers: ClinVar variation 1676472 (VCV001676472.3), dbSNP rs2101060005, ClinGen allele CA341546339.
Genomic context (GRCh38, chr1:109,507,777, plus strand): 5'-CAGCAGCGGCAAGGGGTGAGGTATAGGTATATGAGGACCAGGACCACACTAAGGATACAG[C>T]CCACTAGGGTGGTATAGGCTGTGTTGAGGGTGTCATGGTGTCCGTGCAAGGTGAAATTGT-3'
Protein context (NP_065754.2, residues 369-389): TLNTAYTTLV[Gly379Asp]CILSVVLVLI

ClinVar aggregate classification (germline): Uncertain significance (1 of 4 stars; one submission).

Submission:

Greenwood Genetic Center Diagnostic Laboratories, Greenwood Genetic Center
Classification: Uncertain significance. Last evaluated: 2022-03-09. Review status: criteria provided, single submitter. Criteria: ACMG Guidelines, 2015. Collection method: clinical testing. Allele origin: germline. Affected: yes.
Comment: Gene of Uncertain Clinical Significance